The following is an entry in ClinVar:

ClinVar aggregate classification (germline): Uncertain significance. Review status: criteria provided, multiple submitters, no conflicts (2 of 4 stars). 2 submissions from 2 submitters: Uncertain significance (2). Last evaluated 2025-06-03.

Conditions:
Mitochondrial complex II deficiency, nuclear type 1. Also called: SUCCINATE CoQ REDUCTASE DEFICIENCY. Identifiers: Orphanet 3208, MedGen C5700310, MONDO:0100294, OMIM 252011.
Pheochromocytoma/paraganglioma syndrome 5. Also called: Paragangliomas 5; SDHA-Related Hereditary Paraganglioma-Pheochromocytoma Syndrome. Identifiers: Orphanet 29072, MedGen C3279992, MONDO:0013602, OMIM 614165.
Hereditary cancer-predisposing syndrome. Also called: Neoplastic Syndromes, Hereditary; Hereditary neoplastic syndrome; Tumor predisposition; Hereditary Cancer Syndrome. Identifiers: Orphanet 140162, MedGen C0027672, MeSH D009386, MONDO:0015356.

Submissions (2):

Ambry Genetics
Classification: Uncertain significance for Hereditary cancer-predisposing syndrome. Last evaluated: 2025-06-03. Review status: criteria provided, single submitter. Criteria: Ambry Variant Classification Scheme 2023. Collection method: clinical testing. Allele origin: germline.
Comment: The p.L11Q variant (also known as c.32T>A), located in coding exon 1 of the SDHA gene, results from a T to A substitution at nucleotide position 32. The leucine at codon 11 is replaced by glutamine, an amino acid with dissimilar properties. This amino acid position is conserved. In addition, this alteration is predicted to be tolerated by in silico analysis. Based on the available evidence, the clinical significance of this variant remains unclear.

Labcorp Genetics (formerly Invitae), Labcorp
Classification: Uncertain significance for Pheochromocytoma/paraganglioma syndrome 5; Mitochondrial complex II deficiency, nuclear type 1. Last evaluated: 2023-04-21. Review status: criteria provided, single submitter. Criteria: Invitae Variant Classification Sherloc (09022015). Collection method: clinical testing. Allele origin: germline.
Comment: This variant has not been reported in the literature in individuals affected with SDHA-related conditions. This variant is not present in population databases (gnomAD no frequency). This sequence change replaces leucine, which is neutral and non-polar, with glutamine, which is neutral and polar, at codon 11 of the SDHA protein (p.Leu11Gln). ClinVar contains an entry for this variant (Variation ID: 850047). In summary, the available evidence is currently insufficient to determine the role of this variant in disease. Therefore, it has been classified as a Variant of Uncertain Significance. Advanced modeling of protein sequence and biophysical properties (such as structural, functional, and spatial information, amino acid conservation, physicochemical variation, residue mobility, and thermodynamic stability) performed at Invitae indicates that this missense variant is not expected to disrupt SDHA protein function.

NM_004168.4(SDHA):c.32T>A (p.Leu11Gln)

Gene: SDHA (succinate dehydrogenase complex flavoprotein subunit A; plus strand). Cytogenetic location: 5p15.33.
Variant type: single nucleotide variant.
Coding change: c.32T>A on transcript NM_004168.4 (MANE Select); coding-DNA position 32, T replaced by A.
Protein change: p.Leu11Gln; replaces leucine 11 with glutamine.
Molecular consequence: missense variant.
Genome position (GRCh38, 1-based): chr5:218,387, T>A. VCF-style: chr5-218387-T-A. GRCh37 (hg19) VCF-style: chr5-218502-T-A.
Other names: c.32T>A, p.Leu11Gln (NM_001294332.2, NM_001330758.2); c.32T>A (NM_004168.2); short protein forms L11Q.
Identifiers: ClinVar variation 850047 (VCV000850047.11), dbSNP rs1139422, ClinGen allele CA359007321.